The following is an entry in ClinVar:

Single allele

Gene: DMD (dystrophin; minus strand). Cytogenetic location: Xp21.1.
Variant type: Deletion.
Identifiers: ClinVar variation 1807256 (VCV001807256.1).

ClinVar aggregate classification (germline): Pathogenic (1 of 4 stars; one submission).

Submission:

Athena Diagnostics
Classification: Pathogenic. Last evaluated: 2021-12-17. Review status: criteria provided, single submitter. Criteria: Athena Diagnostics Criteria. Collection method: clinical testing. Allele origin: unknown.
Comment: Similar variants have not been reported in large, multi-ethnic general populations (Genome Aggregation Database (gnomAD), Cambridge, MA (URL)). Multiple unrelated individuals with Duchenne muscular dystrophy (DMD) have been reported with similar deletions of exons 8-13.

Literature cited by the submitters: PubMed 23299919; PubMed 17259292; PubMed 10619712; PubMed 14977063; PubMed 18663755; PubMed 19937601; PubMed 22090376; PubMed 21969337; PubMed 9225508; PubMed 16049303; PubMed 27750387; PubMed 25482253; PubMed 26968818; PubMed 19367636; PubMed 33101180; PubMed 31081998; PubMed 34149409; PubMed 31705731; PubMed 25972034; PubMed 28116794; PubMed 27593222.